The following is an entry in ClinVar:

ClinVar aggregate classification (germline): Likely benign. Review status: reviewed by expert panel (3 of 4 stars). 5 submissions from 5 submitters: Likely benign (1). 4 of the submissions do not count toward it. Last evaluated 2026-05-04.

Conditions:
Inborn genetic diseases. Identifiers: MedGen C0950123, MeSH D030342.
Hereditary thrombocytopenia and hematological cancer predisposition syndrome associated with RUNX1. Also called: Familial thrombocytopenia with propensity to acute myelogenous leukemia; RUNX1 Familial Platelet Disorder with Associated Myeloid Malignancies; Familial Platelet Disorder with Propensity to Acute Myelogenous Leukemia; PLATELET DISORDER, ASPIRIN-LIKE. Identifiers: Orphanet 71290, MedGen C1832388, MeSH C563324, MONDO:0100083, OMIM 601399.
Hereditary thrombocytopenia and hematologic cancer predisposition syndrome. Identifiers: Orphanet 71290, MedGen CN281654, MONDO:0011071.

Allele frequency attached by ClinVar (database versions not stated): gnomAD exomes 0.00001; ExAC 0.00002.
gnomAD v4.1: 14 of 1,610,918 alleles (0.00087%); highest among the groups gnomAD compares: Non-Finnish European, 0.0012%; no homozygotes.

Submissions (5):

ClinGen Myeloid Malignancy Variant Curation Expert Panel
Classification: Likely benign for Hereditary thrombocytopenia and hematologic cancer predisposition syndrome. Last evaluated: 2026-05-04. Review status: reviewed by expert panel. Criteria: ClinGen MyeloMalig ACMG Specifications V3.1. Collection method: curation. Allele origin: germline. Inheritance: Autosomal dominant inheritance.
Comment: NM_001754.5(RUNX1):c.225C>T (p.Asp75=) is a synonymous variant which has a SpliceAI score ≤ 0.20 (0.00) (BP4, BP7). This variant is completely absent from all population databases with at least 20x coverage for RUNX1 (PM2_supporting). In summary, this variant meets criteria to be classified as likely benign. ACMG/AMP criteria applied, as specified by the Myeloid Malignancy Variant Curation Expert Panel for RUNX1: BP4, BP7, PM2_supporting.

Labcorp Genetics (formerly Invitae), Labcorp
Classification: Likely benign for Hereditary thrombocytopenia and hematological cancer predisposition syndrome associated with RUNX1. Last evaluated: 2025-11-05. Review status: criteria provided, single submitter. Criteria: Invitae Variant Classification Sherloc (09022015). Collection method: clinical testing. Allele origin: germline. Not counted in ClinVar's aggregate classification.

Ambry Genetics
Classification: Likely benign for Inborn genetic diseases. Last evaluated: 2025-09-19. Review status: criteria provided, single submitter. Criteria: Ambry Variant Classification Scheme 2023. Collection method: clinical testing. Allele origin: germline. Not counted in ClinVar's aggregate classification.

GeneDx
Classification: Uncertain significance. Last evaluated: 2023-12-18. Review status: criteria provided, single submitter. Criteria: GeneDx Variant Classification Process June 2021. Collection method: clinical testing. Allele origin: germline. Affected: yes. Not counted in ClinVar's aggregate classification.
Comment: Not observed at significant frequency in large population cohorts (gnomAD); In silico analysis supports that this variant does not alter splicing; Has not been previously published as pathogenic or benign to our knowledge

CeGaT Center for Human Genetics Tuebingen
Classification: Uncertain significance. Last evaluated: 2023-03-01. Review status: criteria provided, single submitter. Criteria: CeGaT Center For Human Genetics Tuebingen Variant Classification Criteria Version 2. Collection method: clinical testing. Allele origin: germline. Affected: yes. Observed: 1 variant allele. Not counted in ClinVar's aggregate classification.
Comment: RUNX1: PM2, BP4

NM_001754.5(RUNX1):c.225C>T (p.Asp75=)

Gene: RUNX1 (RUNX family transcription factor 1; minus strand). Cytogenetic location: 21q22.12.
Variant type: single nucleotide variant.
Coding change: c.225C>T on transcript NM_001754.5 (MANE Select); coding-DNA position 225, C replaced by T.
Protein change: p.Asp75=; no amino-acid change (aspartic acid 75 retained).
Molecular consequence: synonymous variant.
Genome position (GRCh38, 1-based): chr21:34,886,969, G>A on the plus strand (C>T on the coding strand, the complement: RUNX1 is on the minus strand). VCF-style: chr21-34886969-G-A. GRCh37 (hg19) VCF-style: chr21-36259266-G-A.
Other names: NM_001754.5(RUNX1):c.225C>T; p.Asp75=; c.144C>T, p.Asp48= (NM_001001890.3, NM_001122607.2); c.225C>T (NM_001754.4).
Identifiers: ClinVar variation 1459284 (VCV001459284.34), dbSNP rs747801893, ClinGen allele CA10014567.